The following is an entry in ClinVar:

ClinVar aggregate classification (germline): Likely benign (1 of 4 stars; one submission).

Submission:

CeGaT Center for Human Genetics Tuebingen
Classification: Likely benign. Last evaluated: 2026-04-01. Review status: criteria provided, single submitter. Criteria: CeGaT Center For Human Genetics Tuebingen Variant Classification Criteria Version 2. Collection method: clinical testing. Allele origin: germline. Affected: yes. Observed: 1 variant allele.
Comment: PEX1: PM2:Supporting, BP4, BP7

NM_000466.3(PEX1):c.1140G>A (p.Lys380=)

Gene: PEX1 (peroxisomal biogenesis factor 1; minus strand). Cytogenetic location: 7q21.2.
Variant type: single nucleotide variant.
Coding change: c.1140G>A on transcript NM_000466.3 (MANE Select); coding-DNA position 1140, G replaced by A.
Protein change: p.Lys380=; no amino-acid change (lysine 380 retained).
Molecular consequence: synonymous variant.
Genome position (GRCh38, 1-based): chr7:92,517,375, C>T on the plus strand (G>A on the coding strand, the complement: PEX1 is on the minus strand). VCF-style: chr7-92517375-C-T. GRCh37 (hg19) VCF-style: chr7-92146689-C-T.
Other names: c.1140G>A, p.Lys380= (NM_001282677.2); c.516G>A, p.Lys172= (NM_001282678.2).
Identifiers: ClinVar variation 4874060 (VCV004874060.2).